The following is an entry in ClinVar:

NM_018191.4(RCBTB1):c.1070C>T (p.Ala357Val)

Gene: RCBTB1 (RCC1 and BTB domain containing protein 1; minus strand). Cytogenetic location: 13q14.2.
Variant type: single nucleotide variant.
Coding change: c.1070C>T on transcript NM_018191.4 (MANE Select); coding-DNA position 1070, C replaced by T.
Protein change: p.Ala357Val; replaces alanine 357 with valine.
Molecular consequence: missense variant. On other transcripts: non-coding transcript variant (2).
Genome position (GRCh38, 1-based): chr13:49,544,839, G>A on the plus strand (C>T on the coding strand, the complement: RCBTB1 is on the minus strand). VCF-style: chr13-49544839-G-A. GRCh37 (hg19) VCF-style: chr13-50118975-G-A.
Other names: c.1070C>T, p.Ala357Val (NM_001352500.2, NM_001352501.2, NM_001352502.2 and 2 more transcripts); c.491C>T, p.Ala164Val (NM_001352506.2); short protein forms A164V, A357V.
Identifiers: ClinVar variation 1011382 (VCV001011382.8), dbSNP rs1960672116, ClinGen allele CA388188588.
Genomic context (GRCh38, chr13:49,544,839, plus strand): 5'-TCAATTCGAAACTTCAGATCAGCAGTTTCTGGACTATCAAATTCTTTCTTCAGTGACTCT[G>A]CAACTGTTAAAAAGTCTTCATGCTCTGAAGGCAACAAACATATATTAATATGGCAAGTTC-3'
Protein context (NP_060661.3, residues 347-367): SVEHEDFLTV[Ala357Val]ESLKKEFDSP

ClinVar aggregate classification (germline): Uncertain significance (1 of 4 stars; one submission).

Allele frequency attached by ClinVar (database versions not stated): gnomAD exomes below 0.00001.
gnomAD v4.1: 1 of 1,611,402 alleles (0.000062%); highest among the groups gnomAD compares: Middle Eastern, 0.017%; no homozygotes.

Submission:

Labcorp Genetics (formerly Invitae), Labcorp
Classification: Uncertain significance. Last evaluated: 2020-06-02. Review status: criteria provided, single submitter. Criteria: Invitae Variant Classification Sherloc (09022015). Collection method: clinical testing. Allele origin: germline.
Comment: In summary, the available evidence is currently insufficient to determine the role of this variant in disease. Therefore, it has been classified as a Variant of Uncertain Significance. Algorithms developed to predict the effect of missense changes on protein structure and function are either unavailable or do not agree on the potential impact of this missense change (SIFT: "Deleterious"; PolyPhen-2: "Benign"; Align-GVGD: "Class C0"). This variant has not been reported in the literature in individuals with RCBTB1-related conditions. This variant is not present in population databases (ExAC no frequency). This sequence change replaces alanine with valine at codon 357 of the RCBTB1 protein (p.Ala357Val). The alanine residue is highly conserved and there is a small physicochemical difference between alanine and valine.